The following is an entry in ClinVar:

ClinVar aggregate classification (germline): Uncertain significance. Review status: criteria provided, multiple submitters, no conflicts (2 of 4 stars). 2 submissions from 2 submitters: Uncertain significance (2). Last evaluated 2025-12-16.

Conditions:
Cohen syndrome (COH1). Also called: Cutis verticis gyrata, retinitis pigmentosa, and sensorineural deafness; PEPPER SYNDROME. Identifiers: Orphanet 193, MedGen C0265223, MONDO:0008999, OMIM 216550.
VPS13B-related disorder. Also called: VPS13B-related condition.

Allele frequency attached by ClinVar (database versions not stated): ExAC 0.00002.
gnomAD v4.1: 14 of 1,614,120 alleles (0.00087%); highest among the groups gnomAD compares: Non-Finnish European, 0.0012%; no homozygotes.

Submissions (2):

PreventionGenetics, part of Exact Sciences
Classification: Uncertain significance for VPS13B-related condition. Last evaluated: 2025-12-16. Review status: criteria provided, single submitter. Criteria: ACMG Guidelines, 2015. Collection method: clinical testing. Allele origin: germline.
Comment: The VPS13B c.8300A>C variant is predicted to result in the amino acid substitution p.Glu2767Ala. To our knowledge, this variant has not been reported in the literature. This variant is reported in 0.00088% of alleles in individuals of European (Non-Finnish) descent in gnomAD. At this time, the clinical significance of this variant is uncertain due to the absence of conclusive functional and genetic evidence.

Labcorp Genetics (formerly Invitae), Labcorp
Classification: Uncertain significance for Cohen syndrome. Last evaluated: 2025-08-26. Review status: criteria provided, single submitter. Criteria: Invitae Variant Classification Sherloc (09022015). Collection method: clinical testing. Allele origin: germline.
Comment: This sequence change replaces glutamic acid, which is acidic and polar, with alanine, which is neutral and non-polar, at codon 2792 of the VPS13B protein (p.Glu2792Ala). This variant is present in population databases (rs778200857, gnomAD 0.007%). This variant has not been reported in the literature in individuals affected with VPS13B-related conditions. ClinVar contains an entry for this variant (Variation ID: 2080050). Invitae Evidence Modeling of protein sequence and biophysical properties (such as structural, functional, and spatial information, amino acid conservation, physicochemical variation, residue mobility, and thermodynamic stability) indicates that this missense variant is expected to disrupt VPS13B protein function with a positive predictive value of 80%. In summary, the available evidence is currently insufficient to determine the role of this variant in disease. Therefore, it has been classified as a Variant of Uncertain Significance.

NM_152564.5(VPS13B):c.8300A>C (p.Glu2767Ala)

Gene: VPS13B (vacuolar protein sorting 13 homolog B; plus strand). Cytogenetic location: 8q22.2.
Variant type: single nucleotide variant.
Coding change: c.8300A>C on transcript NM_152564.5 (MANE Select); coding-DNA position 8300, A replaced by C.
Protein change: p.Glu2767Ala; replaces glutamic acid 2767 with alanine.
Molecular consequence: missense variant.
Genome position (GRCh38, 1-based): chr8:99,817,742, A>C. VCF-style: chr8-99817742-A-C. GRCh37 (hg19) VCF-style: chr8-100829970-A-C.
Other names: c.8375A>C, p.Glu2792Ala (NM_017890.5); short protein forms E2767A, E2792A.
Identifiers: ClinVar variation 2080050 (VCV002080050.3), dbSNP rs778200857, ClinGen allele CA4824421.